The following is an entry in ClinVar:

ClinVar aggregate classification (germline): Uncertain significance (1 of 4 stars; one submission).

Conditions:
Walker-Warburg congenital muscular dystrophy. Also called: Muscular dystrophy-dystroglycanopathy, type A; Walker-Warburg syndrome. Identifiers: Orphanet 899, MedGen C0265221, MONDO:0000171.

Submission:

Labcorp Genetics (formerly Invitae), Labcorp
Classification: Uncertain significance for Walker-Warburg congenital muscular dystrophy. Last evaluated: 2019-02-20. Review status: criteria provided, single submitter. Criteria: Invitae Variant Classification Sherloc (09022015). Collection method: clinical testing. Allele origin: germline.
Comment: This sequence change replaces proline with alanine at codon 243 of the FKTN protein (p.Pro243Ala). The proline residue is weakly conserved and there is a small physicochemical difference between proline and alanine. This variant is not present in population databases (ExAC no frequency). This variant has not been reported in the literature in individuals with FKTN-related conditions. Algorithms developed to predict the effect of missense changes on protein structure and function (SIFT, PolyPhen-2, Align-GVGD) all suggest that this variant is likely to be tolerated, but these predictions have not been confirmed by published functional studies and their clinical significance is uncertain. In summary, the available evidence is currently insufficient to determine the role of this variant in disease. Therefore, it has been classified as a Variant of Uncertain Significance.

NM_001079802.2(FKTN):c.727C>G (p.Pro243Ala)

Gene: FKTN (fukutin; plus strand). Cytogenetic location: 9q31.2.
Variant type: single nucleotide variant.
Coding change: c.727C>G on transcript NM_001079802.2 (MANE Select); coding-DNA position 727, C replaced by G.
Protein change: p.Pro243Ala; replaces proline 243 with alanine.
Molecular consequence: missense variant. On other transcripts: non-coding transcript variant (2).
Genome position (GRCh38, 1-based): chr9:105,607,898, C>G. VCF-style: chr9-105607898-C-G. GRCh37 (hg19) VCF-style: chr9-108370179-C-G.
Other names: c.727C>G, p.Pro243Ala (NM_001198963.2, NM_001351496.2, NM_001351498.2 and 1 more transcripts); c.658C>G, p.Pro220Ala (NM_001351497.2); c.331C>G, p.Pro111Ala (NM_001351499.2, NM_001351500.2, NM_001351501.2 and 1 more transcripts); short protein forms P243A, P111A, P220A.
Identifiers: ClinVar variation 834912 (VCV000834912.1), dbSNP rs1564301303, ClinGen allele CA374332627.